The following is an entry in ClinVar:

ClinVar aggregate classification (germline): Pathogenic (1 of 4 stars; one submission).

Submission:

GeneDx
Classification: Pathogenic. Last evaluated: 2022-04-09. Review status: criteria provided, single submitter. Criteria: GeneDx Variant Classification Process June 2021. Collection method: clinical testing. Allele origin: germline. Affected: yes.
Comment: Canonical splice site variant predicted to result in a null allele in a gene for which loss of function is a known mechanism of disease; Not observed at significant frequency in large population cohorts (gnomAD); This variant is associated with the following publications: (PMID: 29089047)

NM_021005.4(NR2F2):c.442+1G>T

Gene: NR2F2 (nuclear receptor subfamily 2 group F member 2; plus strand). Cytogenetic location: 15q26.2.
Variant type: single nucleotide variant.
Coding change: c.442+1G>T on transcript NM_021005.4 (MANE Select); the canonical splice donor site of the intron after coding-DNA position 442, G replaced by T.
Molecular consequence: splice donor variant. On other transcripts: intron variant (1).
Genome position (GRCh38, 1-based): chr15:96,332,548, G>T. VCF-style: chr15-96332548-G-T. GRCh37 (hg19) VCF-style: chr15-96875777-G-T.
Other names: c.44-1528G>T (NM_001145155.2).
Identifiers: ClinVar variation 1710861 (VCV001710861.2), dbSNP rs2505770216, ClinGen allele CA393930393.